The following is an entry in ClinVar:

NM_006096.4(NDRG1):c.703C>T (p.Arg235Cys)

Genes: NDRG1 (N-myc downstream regulated 1; minus strand), LOC126860531 (CDK7 strongly-dependent group 2 enhancer GRCh37_chr8:134259869-134261068; plus strand). Cytogenetic location: 8q24.22.
Variant type: single nucleotide variant.
Coding change: c.703C>T on transcript NM_006096.4 (MANE Select); coding-DNA position 703, C replaced by T.
Protein change: p.Arg235Cys; replaces arginine 235 with cysteine.
Molecular consequence: missense variant.
Genome position (GRCh38, 1-based): chr8:133,248,767, G>A on the plus strand (C>T on the coding strand, the complement: NDRG1 is on the minus strand). VCF-style: chr8-133248767-G-A. GRCh37 (hg19) VCF-style: chr8-134261010-G-A.
Other names: c.703C>T, p.Arg235Cys (NM_001135242.2, NM_001374845.1, NM_001374846.1); c.505C>T, p.Arg169Cys (NM_001258432.2, NM_001374847.1); c.460C>T, p.Arg154Cys (NM_001258433.2); c.754C>T, p.Arg252Cys (NM_001374844.1); short protein forms R235C, R154C, R169C, R252C.
Identifiers: ClinVar variation 476848 (VCV000476848.11), dbSNP rs772268356, ClinGen allele CA4886626.

ClinVar aggregate classification (germline): Uncertain significance. Review status: criteria provided, multiple submitters, no conflicts (2 of 4 stars). 4 submissions from 4 submitters: Uncertain significance (3). 1 of the submissions does not count toward it. Last evaluated 2021-09-08.

Conditions:
Charcot-Marie-Tooth disease. Also called: Charcot-Marie-Tooth Neuropathy; Charcot-Marie-Tooth Hereditary Neuropathy. Identifiers: Orphanet 166, MedGen C0007959, MONDO:0015626.
Inborn genetic diseases. Identifiers: MedGen C0950123, MeSH D030342.
Charcot-Marie-Tooth disease type 4. Also called: Charcot-Marie-Tooth, Type 4; Charcot-Marie-Tooth disease, type IV. Identifiers: Orphanet 64749, MedGen C4082197, MONDO:0018995.

Allele frequency attached by ClinVar (database versions not stated): gnomAD 0.00002; ExAC 0.00003; gnomAD exomes 0.00003; TOPMed 0.00003.
gnomAD v4.1: 61 of 1,613,988 alleles (0.0038%); highest among the groups gnomAD compares: Non-Finnish European, 0.0047%; no homozygotes.

Submissions (4):

Labcorp Genetics (formerly Invitae), Labcorp
Classification: Uncertain significance for Charcot-Marie-Tooth disease type 4. Last evaluated: 2021-09-08. Review status: criteria provided, single submitter. Criteria: Invitae Variant Classification Sherloc (09022015). Collection method: clinical testing. Allele origin: germline.
Comment: This sequence change replaces arginine with cysteine at codon 235 of the NDRG1 protein (p.Arg235Cys). The arginine residue is moderately conserved and there is a large physicochemical difference between arginine and cysteine. This variant is present in population databases (rs772268356, ExAC 0.01%). This variant has not been reported in the literature in individuals affected with NDRG1-related conditions. ClinVar contains an entry for this variant (Variation ID: 476848). Algorithms developed to predict the effect of missense changes on protein structure and function (SIFT, PolyPhen-2, Align-GVGD) all suggest that this variant is likely to be disruptive. Algorithms developed to predict the effect of sequence changes on RNA splicing suggest that this variant may create or strengthen a splice site. In summary, the available evidence is currently insufficient to determine the role of this variant in disease. Therefore, it has been classified as a Variant of Uncertain Significance.

Ambry Genetics
Classification: Uncertain significance for Inborn genetic diseases. Last evaluated: 2020-06-30. Review status: criteria provided, single submitter. Criteria: Ambry Variant Classification Scheme 2023. Collection method: clinical testing. Allele origin: germline.
Comment: The p.R235C variant (also known as c.703C>T), located in coding exon 10 of the NDRG1 gene, results from a C to T substitution at nucleotide position 703. The arginine at codon 235 is replaced by cysteine, an amino acid with highly dissimilar properties. This amino acid position is highly conserved in available vertebrate species. In addition, the in silico prediction for this alteration is inconclusive. Since supporting evidence is limited at this time, the clinical significance of this alteration remains unclear.

Molecular Genetics Laboratory, London Health Sciences Centre
Classification: Uncertain significance for Charcot-Marie-Tooth disease. Review status: criteria provided, single submitter. Criteria: ACMG Guidelines, 2015. Collection method: clinical testing. Allele origin: germline. Affected: yes.

Natera, Inc.
Classification: Uncertain significance for Charcot-Marie-Tooth disease type 4. Last evaluated: 2020-09-08. Review status: no assertion criteria provided. Collection method: clinical testing. Allele origin: germline. Not counted in ClinVar's aggregate classification.